The following is an entry in ClinVar:

ClinVar aggregate classification (germline): Uncertain significance. Review status: criteria provided, multiple submitters, no conflicts (2 of 4 stars). 4 submissions from 4 submitters: Uncertain significance (4). Last evaluated 2025-08-19.

Conditions:
Hereditary cancer-predisposing syndrome. Also called: Hereditary neoplastic syndrome; Tumor predisposition; Neoplastic Syndromes, Hereditary; Hereditary Cancer Syndrome. Identifiers: Orphanet 140162, MedGen C0027672, MeSH D009386, MONDO:0015356.
Rhabdoid tumor predisposition syndrome 2 (RTPS2). Identifiers: Orphanet 231108, Orphanet 69077, MedGen C2750074, MONDO:0013224, OMIM 613325.

Submissions (4):

Ambry Genetics
Classification: Uncertain significance for Hereditary cancer-predisposing syndrome. Last evaluated: 2025-08-19. Review status: criteria provided, single submitter. Criteria: Ambry Variant Classification Scheme 2023. Collection method: clinical testing. Allele origin: germline.
Comment: The p.G126V variant (also known as c.377G>T), located in coding exon 3 of the SMARCA4 gene, results from a G to T substitution at nucleotide position 377. The glycine at codon 126 is replaced by valine, an amino acid with dissimilar properties. This variant was detected as heterozygous in individual(s) with no reported features of Coffin-Siris syndrome (Ambry internal data). This amino acid position is well conserved in available vertebrate species. In addition, the in silico prediction for this alteration is inconclusive. Missense and in-frame variants in SMARCA4 are known to cause neurodevelopmental disorders; however, such associations with rhabdoid tumor predisposition syndrome including small cell carcinoma of the ovary-hypercalcemic type (SCCOHT) are exceedingly rare (Kosho T et al. Am J Med Genet C Semin Med Genet. 2014 Sep;166C(3):262-75; Jelinic P et al. Nat Genet. 2014 May;46(5):424-6). Based on the supporting evidence, the association of this alteration with Coffin-Siris syndrome is unknown; however, the association of this alteration with rhabdoid tumor predisposition syndrome is unlikely.

Labcorp Genetics (formerly Invitae), Labcorp
Classification: Uncertain significance for Rhabdoid tumor predisposition syndrome 2. Last evaluated: 2024-11-06. Review status: criteria provided, single submitter. Criteria: Invitae Variant Classification Sherloc (09022015). Collection method: clinical testing. Allele origin: germline.
Comment: This sequence change replaces glycine, which is neutral and non-polar, with valine, which is neutral and non-polar, at codon 126 of the SMARCA4 protein (p.Gly126Val). This variant is not present in population databases (gnomAD no frequency). This variant has not been reported in the literature in individuals affected with SMARCA4-related conditions. ClinVar contains an entry for this variant (Variation ID: 1699709). Invitae Evidence Modeling of protein sequence and biophysical properties (such as structural, functional, and spatial information, amino acid conservation, physicochemical variation, residue mobility, and thermodynamic stability) indicates that this missense variant is not expected to disrupt SMARCA4 protein function with a negative predictive value of 95%. In summary, the available evidence is currently insufficient to determine the role of this variant in disease. Therefore, it has been classified as a Variant of Uncertain Significance.

Baylor Genetics
Classification: Uncertain significance for Rhabdoid tumor predisposition syndrome 2. Last evaluated: 2023-11-19. Review status: criteria provided, single submitter. Criteria: ACMG Guidelines, 2015. Collection method: clinical testing. Allele origin: unknown.

GeneDx
Classification: Uncertain significance. Last evaluated: 2022-02-01. Review status: criteria provided, single submitter. Criteria: GeneDx Variant Classification Process June 2021. Collection method: clinical testing. Allele origin: germline. Affected: yes.
Comment: Not observed at significant frequency in large population cohorts (gnomAD); In silico analysis supports that this missense variant does not alter protein structure/function; Has not been previously published as pathogenic or benign to our knowledge

NM_003072.5(SMARCA4):c.377G>T (p.Gly126Val)

Gene: SMARCA4 (SWI/SNF related BAF chromatin remodeling complex subunit ATPase 4; plus strand). Cytogenetic location: 19p13.2.
Variant type: single nucleotide variant.
Coding change: c.377G>T on transcript NM_003072.5 (MANE Select); coding-DNA position 377, G replaced by T.
Protein change: p.Gly126Val; replaces glycine 126 with valine.
Molecular consequence: missense variant. On other transcripts: non-coding transcript variant (1).
Genome position (GRCh38, 1-based): chr19:10,986,210, G>T. VCF-style: chr19-10986210-G-T. GRCh37 (hg19) VCF-style: chr19-11096886-G-T.
Other names: c.377G>T, p.Gly126Val (NM_001128844.3, NM_001128845.2, NM_001128846.2 and 5 more transcripts); short protein forms G126V.
Identifiers: ClinVar variation 1699709 (VCV001699709.10), dbSNP rs2145771699, ClinGen allele CA404055655.